The following is an entry in ClinVar:

ClinVar aggregate classification (germline): Benign/Likely benign. Review status: criteria provided, multiple submitters, no conflicts (2 of 4 stars). 2 submissions from 2 submitters: Benign (1); Likely benign (1). Last evaluated 2024-08-21.

Conditions:
Familial cancer of breast. Also called: hereditary breast carcinoma; BREAST CANCER, FAMILIAL; Hereditary breast cancer. Identifiers: Orphanet 227535, MedGen C0346153, MONDO:0016419, OMIM 114480. Disease mechanism: loss of function.
Fanconi anemia complementation group J. Also called: BRIP1-Related Fanconi Anemia. Identifiers: Orphanet 84, MedGen C1836860, MONDO:0012187, OMIM 609054.

Submissions (2):

Myriad Genetics, Inc.
Classification: Benign for Familial cancer of breast. Last evaluated: 2024-08-21. Review status: criteria provided, single submitter. Criteria: Myriad Autosomal Dominant, Autosomal Recessive and X-Linked Classification Criteria (2023). Collection method: clinical testing. Allele origin: unknown.
Comment: This variant is considered benign. This variant is a silent/synonymous amino acid change and it is not expected to impact splicing.

Labcorp Genetics (formerly Invitae), Labcorp
Classification: Likely benign for Familial cancer of breast; Fanconi anemia complementation group J. Last evaluated: 2022-06-18. Review status: criteria provided, single submitter. Criteria: Invitae Variant Classification Sherloc (09022015). Collection method: clinical testing. Allele origin: germline.

NM_032043.3(BRIP1):c.600A>G (p.Glu200=)

Gene: BRIP1 (BRCA1 interacting DNA helicase 1; minus strand). Cytogenetic location: 17q23.2.
Variant type: single nucleotide variant.
Coding change: c.600A>G on transcript NM_032043.3 (MANE Select); coding-DNA position 600, A replaced by G.
Protein change: p.Glu200=; no amino-acid change (glutamic acid 200 retained).
Molecular consequence: synonymous variant.
Genome position (GRCh38, 1-based): chr17:61,847,128, T>C on the plus strand (A>G on the coding strand, the complement: BRIP1 is on the minus strand). VCF-style: chr17-61847128-T-C. GRCh37 (hg19) VCF-style: chr17-59924489-T-C.
Identifiers: ClinVar variation 2007798 (VCV002007798.5), dbSNP rs2545405548, ClinGen allele CA501150614.